The following is an entry in ClinVar:

ClinVar aggregate classification (germline): Pathogenic. Review status: criteria provided, multiple submitters, no conflicts (2 of 4 stars). 2 submissions from 2 submitters: Pathogenic (2). Last evaluated 2025-05-14.

Conditions:
Primary ciliary dyskinesia 3. Identifiers: Orphanet 244, MedGen C1837618, MONDO:0012085, OMIM 608644.
Primary ciliary dyskinesia. Also called: Ciliary dyskinesia. Identifiers: Orphanet 244, MedGen C0008780, MONDO:0016575, HP:0012265.

Submissions (2):

Myriad Genetics, Inc.
Classification: Pathogenic for Primary ciliary dyskinesia 3. Last evaluated: 2025-05-14. Review status: criteria provided, single submitter. Criteria: Myriad Autosomal Dominant, Autosomal Recessive and X-Linked Classification Criteria (2023). Collection method: clinical testing. Allele origin: unknown.
Comment: NM_001369.2(DNAH5):c.11070delT(F3690Lfs*18) is expected to be pathogenic in the context of primary ciliary dyskinesia, DNAH5-related. This variant is predicted to lead to an abnormal or absent protein product due to the creation of a premature termination codon in DNAH5, a gene where loss-of-function variants are known to be pathogenic. Please note: this variant was assessed in the context of healthy population screening.

Labcorp Genetics (formerly Invitae), Labcorp
Classification: Pathogenic for Primary ciliary dyskinesia. Last evaluated: 2021-12-23. Review status: criteria provided, single submitter. Criteria: Invitae Variant Classification Sherloc (09022015). Collection method: clinical testing. Allele origin: germline.
Comment: This sequence change creates a premature translational stop signal (p.Phe3690Leufs*18) in the DNAH5 gene. It is expected to result in an absent or disrupted protein product. Loss-of-function variants in DNAH5 are known to be pathogenic (PMID: 11788826, 16627867). This variant is not present in population databases (gnomAD no frequency). This variant has not been reported in the literature in individuals affected with DNAH5-related conditions. ClinVar contains an entry for this variant (Variation ID: 837715). For these reasons, this variant has been classified as Pathogenic.

Literature cited by the submitters: PubMed 11788826 (cited by Labcorp Genetics (formerly Invitae), Labcorp); PubMed 16627867 (cited by Labcorp Genetics (formerly Invitae), Labcorp).

NM_001369.3(DNAH5):c.11070del (p.Phe3690fs)

Gene: DNAH5 (dynein axonemal heavy chain 5; minus strand). Cytogenetic location: 5p15.2.
Variant type: Deletion.
Coding change: c.11070del on transcript NM_001369.3 (MANE Select); coding-DNA position 11070, one base deleted (T; older notation c.11070delT).
Protein change: p.Phe3690fs; shifts the reading frame from phenylalanine 3690.
Molecular consequence: frameshift variant.
Genome position (GRCh38, 1-based): chr5:13,751,219, A deleted on the plus strand (T on the coding strand, the reverse complement: DNAH5 is on the minus strand); the first of 3 consecutive A bases (chr5:13,751,219-13,751,221); deleting any one gives the same sequence. VCF-style (leftmost placement, unchanged base first): chr5-13751218-TA-T. GRCh37 (hg19) VCF-style: chr5-13751327-TA-T.
Other names: short protein forms F3690fs.
Identifiers: ClinVar variation 837715 (VCV000837715.9), dbSNP rs1750171365, ClinGen allele CA916082684.
Genomic context (GRCh38, chr5:13,751,218, plus strand): 5'-TACGGGCACTTATCTCAGGGGTGTAGGCTGGGTTAGGCAATTTGGTGGTAATGTAGAGTC[TA>T]AAGCCATCCAACACATCTACTTCCTTGTCACCAACTTTCACCTTTTTTATAAAAAGAAAT-3'